The following is an entry in ClinVar:

ClinVar aggregate classification (germline): Uncertain significance (1 of 4 stars; one submission).

Conditions:
Hypertrophic cardiomyopathy. Also called: HYPERTROPHIC MYOCARDIOPATHY. Identifiers: Orphanet 217569, MedGen C0007194, MeSH D002312, MONDO:0005045, HP:0001639.

Submission:

Labcorp Genetics (formerly Invitae), Labcorp
Classification: Uncertain significance for Hypertrophic cardiomyopathy. Last evaluated: 2023-04-26. Review status: criteria provided, single submitter. Criteria: Invitae Variant Classification Sherloc (09022015). Collection method: clinical testing. Allele origin: germline.
Comment: In summary, the available evidence is currently insufficient to determine the role of this variant in disease. Therefore, it has been classified as a Variant of Uncertain Significance. An algorithm developed to predict the effect of missense changes on protein structure and function (PolyPhen-2) suggests that this variant is likely to be disruptive. This variant has not been reported in the literature in individuals affected with MYBPC3-related conditions. This variant is not present in population databases (gnomAD no frequency). This sequence change replaces glutamic acid, which is acidic and polar, with glutamine, which is neutral and polar, at codon 492 of the MYBPC3 protein (p.Glu492Gln).

NM_000256.3(MYBPC3):c.1474G>C (p.Glu492Gln)

Gene: MYBPC3 (myosin binding protein C3; minus strand). Cytogenetic location: 11p11.2.
Variant type: single nucleotide variant.
Coding change: c.1474G>C on transcript NM_000256.3 (MANE Select); coding-DNA position 1474, G replaced by C.
Protein change: p.Glu492Gln; replaces glutamic acid 492 with glutamine.
Molecular consequence: missense variant.
Genome position (GRCh38, 1-based): chr11:47,342,728, C>G on the plus strand (G>C on the coding strand, the complement: MYBPC3 is on the minus strand). VCF-style: chr11-47342728-C-G. GRCh37 (hg19) VCF-style: chr11-47364279-C-G.
Other names: short protein forms E492Q.
Identifiers: ClinVar variation 2859466 (VCV002859466.3), dbSNP rs2495762964, ClinGen allele CA380325282.